The following is an entry in ClinVar:

ClinVar aggregate classification (germline): Likely benign. Review status: criteria provided, multiple submitters, no conflicts (2 of 4 stars). 2 submissions from 2 submitters: Likely benign (2). Last evaluated 2025-10-06.

Conditions:
NOTCH2-related disorder. Also called: NOTCH2-related condition.
Hajdu-Cheney syndrome (HJCYS). Also called: SERPENTINE FIBULA-POLYCYSTIC KIDNEY SYNDROME; ACROOSTEOLYSIS WITH OSTEOPOROSIS AND CHANGES IN SKULL AND MANDIBLE; Acroosteolysis dominant type. Identifiers: Orphanet 955, MedGen C0917715, MONDO:0007057, OMIM 102500.

Allele frequency attached by ClinVar (database versions not stated): TOPMed below 0.00001.

Submissions (2):

PreventionGenetics, part of Exact Sciences
Classification: Likely benign for NOTCH2-related condition. Last evaluated: 2025-10-06. Review status: criteria provided, single submitter. Criteria: ACMG Guidelines, 2015. Collection method: clinical testing. Allele origin: germline.
Comment: This variant is classified as likely benign based on ACMG/AMP sequence variant interpretation guidelines (Richards et al. 2015 PMID: 25741868, with internal and published modifications).

Labcorp Genetics (formerly Invitae), Labcorp
Classification: Likely benign for Hajdu-Cheney syndrome. Last evaluated: 2024-12-24. Review status: criteria provided, single submitter. Criteria: Invitae Variant Classification Sherloc (09022015). Collection method: clinical testing. Allele origin: germline.

NM_024408.4(NOTCH2):c.3720G>A (p.Gln1240=)

Gene: NOTCH2 (notch receptor 2; minus strand). Cytogenetic location: 1p12.
Variant type: single nucleotide variant.
Coding change: c.3720G>A on transcript NM_024408.4 (MANE Select); coding-DNA position 3720, G replaced by A.
Protein change: p.Gln1240=; no amino-acid change (glutamine 1240 retained).
Molecular consequence: synonymous variant.
Genome position (GRCh38, 1-based): chr1:119,929,148, C>T on the plus strand (G>A on the coding strand, the complement: NOTCH2 is on the minus strand). VCF-style: chr1-119929148-C-T. GRCh37 (hg19) VCF-style: chr1-120471771-C-T.
Other names: c.3720G>A (NM_024408.3).
Identifiers: ClinVar variation 2156867 (VCV002156867.5), dbSNP rs1255782337, ClinGen allele CA420191152.